The following is an entry in ClinVar:

NM_182914.3(SYNE2):c.6736G>A (p.Gly2246Ser)

Gene: SYNE2 (spectrin repeat containing nuclear envelope protein 2; plus strand). Cytogenetic location: 14q23.2.
Variant type: single nucleotide variant.
Coding change: c.6736G>A on transcript NM_182914.3 (MANE Select); coding-DNA position 6736, G replaced by A.
Protein change: p.Gly2246Ser; replaces glycine 2246 with serine.
Molecular consequence: missense variant.
Genome position (GRCh38, 1-based): chr14:64,029,916, G>A. VCF-style: chr14-64029916-G-A. GRCh37 (hg19) VCF-style: chr14-64496634-G-A.
Other names: c.6736G>A, p.Gly2246Ser (NM_015180.6); short protein forms G2246S.
Identifiers: ClinVar variation 313527 (VCV000313527.13), dbSNP rs774737023, ClinGen allele CA7220770.

ClinVar aggregate classification (germline): Benign/Likely benign. Review status: criteria provided, multiple submitters, no conflicts (2 of 4 stars). 2 submissions from 2 submitters: Benign (1); Likely benign (1). Last evaluated 2025-06-09.

Conditions:
Emery-Dreifuss muscular dystrophy 5, autosomal dominant (EDMD5). Also called: EMERY-DREIFUSS MUSCULAR DYSTROPHY 5. Identifiers: Orphanet 261, MedGen C2751805, MONDO:0013072, OMIM 612999.

Allele frequency attached by ClinVar (database versions not stated): gnomAD 0.00004; gnomAD exomes 0.00007 and 0.00026; TOPMed 0.00008; ExAC 0.00031.
gnomAD v4.1: 104 of 1,613,624 alleles (0.0064%); highest among the groups gnomAD compares: Admixed American, 0.11%; no homozygotes.

Submissions (2):

Labcorp Genetics (formerly Invitae), Labcorp
Classification: Likely benign for Emery-Dreifuss muscular dystrophy 5, autosomal dominant. Last evaluated: 2025-06-09. Review status: criteria provided, single submitter. Criteria: Invitae Variant Classification Sherloc (09022015). Collection method: clinical testing. Allele origin: germline.

Illumina Laboratory Services, Illumina
Classification: Benign for Emery-Dreifuss muscular dystrophy 5, autosomal dominant. Last evaluated: 2018-01-12. Review status: criteria provided, single submitter. Criteria: ICSL Variant Classification Criteria 13 December 2019. Collection method: clinical testing. Allele origin: germline.
Comment: This variant was observed in the ICSL laboratory as part of a predisposition screen in an ostensibly healthy population. It had not been previously curated by ICSL or reported in the Human Gene Mutation Database (HGMD: prior to June 1st, 2018), and was therefore a candidate for classification through an automated scoring system. Utilizing variant allele frequency, disease prevalence and penetrance estimates, and inheritance mode, an automated score was calculated to assess if this variant is too frequent to cause the disease. Based on the score and internal cut-off values, a variant classified as benign is not then subjected to further curation. The score for this variant resulted in a classification of benign for this disease.